The following is an entry in ClinVar:

ClinVar aggregate classification (germline): Uncertain significance (1 of 4 stars; one submission).

Conditions:
2-aminoadipic 2-oxoadipic aciduria (AAKAD). Also called: Aminoadipic aciduria; ALPHA-AMINOADIPIC AND ALPHA-KETOADIPIC ACIDURIA. Identifiers: Orphanet 79154, MedGen C1859817, MONDO:0008774, OMIM 204750.

Submission:

Labcorp Genetics (formerly Invitae), Labcorp
Classification: Uncertain significance for 2-aminoadipic 2-oxoadipic aciduria. Last evaluated: 2025-11-24. Review status: criteria provided, single submitter. Criteria: Invitae Variant Classification Sherloc (09022015). Collection method: clinical testing. Allele origin: germline.
Comment: This sequence change replaces asparagine, which is neutral and polar, with lysine, which is basic and polar, at codon 504 of the DHTKD1 protein (p.Asn504Lys). This variant is not present in population databases (gnomAD no frequency). This variant has not been reported in the literature in individuals affected with DHTKD1-related conditions. An algorithm developed to predict the effect of missense changes on protein structure and function (PolyPhen-2) suggests that this variant is likely to be tolerated. In summary, the available evidence is currently insufficient to determine the role of this variant in disease. Therefore, it has been classified as a Variant of Uncertain Significance.

NM_018706.7(DHTKD1):c.1512C>G (p.Asn504Lys)

Gene: DHTKD1 (dehydrogenase E1 and transketolase domain containing 1; plus strand). Cytogenetic location: 10p14.
Variant type: single nucleotide variant.
Coding change: c.1512C>G on transcript NM_018706.7 (MANE Select); coding-DNA position 1512, C replaced by G.
Protein change: p.Asn504Lys; replaces asparagine 504 with lysine.
Molecular consequence: missense variant.
Genome position (GRCh38, 1-based): chr10:12,097,837, C>G. VCF-style: chr10-12097837-C-G. GRCh37 (hg19) VCF-style: chr10-12139836-C-G.
Other names: short protein forms N504K.
Identifiers: ClinVar variation 4699463 (VCV004699463.1).
Genomic context (GRCh38, chr10:12,097,837, plus strand): 5'-CTATGCCAAGTTGAATGATCACTTAAATAACATGGCCCACTACAGGCCCCCTGCCCTGAA[C>G]CTGCAGGCCCACTGGCAGGGCCTGGCTCAGCCAGAAGCGCAAATCACCACCTGGAGTACA-3'
Protein context (NP_061176.4, residues 494-514): NMAHYRPPAL[Asn504Lys]LQAHWQGLAQ